The following is an entry in ClinVar:

ClinVar aggregate classification (germline): Uncertain significance (1 of 4 stars; one submission).

gnomAD v4.1: 10 of 1,548,308 alleles (0.00065%); highest among the groups gnomAD compares: Admixed American, 0.018%; no homozygotes.

Submission:

GeneDx
Classification: Uncertain significance. Last evaluated: 2025-05-13. Review status: criteria provided, single submitter. Criteria: GeneDx Variant Classification Process June 2021. Collection method: clinical testing. Allele origin: germline. Affected: yes.
Comment: In silico analysis suggests that this missense variant does not alter protein structure/function; Has not been previously published as pathogenic or benign to our knowledge

NM_001145026.2(PTPRQ):c.1517C>A (p.Ala506Asp)

Gene: PTPRQ (protein tyrosine phosphatase receptor type Q; plus strand). Cytogenetic location: 12q21.31.
Variant type: single nucleotide variant.
Coding change: c.1517C>A on transcript NM_001145026.2 (MANE Select); coding-DNA position 1517, C replaced by A.
Protein change: p.Ala506Asp; replaces alanine 506 with aspartic acid.
Molecular consequence: missense variant.
Genome position (GRCh38, 1-based): chr12:80,493,432, C>A. VCF-style: chr12-80493432-C-A. GRCh37 (hg19) VCF-style: chr12-80887211-C-A.
Other names: short protein forms A506D.
Identifiers: ClinVar variation 4529689 (VCV004529689.1).